The following is an entry in ClinVar:

NM_206965.2(FTCD):c.1429C>T (p.Arg477Trp)

Gene: FTCD (formimidoyltransferase cyclodeaminase; minus strand). Cytogenetic location: 21q22.3.
Variant type: single nucleotide variant.
Coding change: c.1429C>T on transcript NM_206965.2 (MANE Select); coding-DNA position 1429, C replaced by T.
Protein change: p.Arg477Trp; replaces arginine 477 with tryptophan.
Molecular consequence: missense variant.
Genome position (GRCh38, 1-based): chr21:46,138,522, G>A on the plus strand (C>T on the coding strand, the complement: FTCD is on the minus strand). VCF-style: chr21-46138522-G-A. GRCh37 (hg19) VCF-style: chr21-47558436-G-A.
Other names: c.1429C>T, p.Arg477Trp (NM_001320412.2, NM_006657.3); c.1429C>T (NM_006657.2); short protein forms R477W.
Identifiers: ClinVar variation 1005867 (VCV001005867.11), dbSNP rs556952105, ClinGen allele CA10073442.

ClinVar aggregate classification (germline): Uncertain significance. Review status: criteria provided, multiple submitters, no conflicts (2 of 4 stars). 2 submissions from 2 submitters: Uncertain significance (2). Last evaluated 2025-08-07.

Conditions:
Inborn genetic diseases. Identifiers: MedGen C0950123, MeSH D030342.
Glutamate formiminotransferase deficiency. Also called: Arakawa syndrome 1; Formiminoglutamic aciduria. Identifiers: Orphanet 51208, MedGen C0268609, MONDO:0009240, OMIM 229100.

Allele frequency attached by ClinVar (database versions not stated): gnomAD 0.00003 and 0.00004; TOPMed 0.00003; gnomAD exomes 0.00006 and 0.00010; ExAC 0.00017; 1000 Genomes Project 0.00040; 1000 Genomes Project 30x 0.00047.
gnomAD v4.1: 97 of 1,585,692 alleles (0.0061%); highest among the groups gnomAD compares: South Asian, 0.026%; no homozygotes.

Submissions (2):

Ambry Genetics
Classification: Uncertain significance for Inborn genetic diseases. Last evaluated: 2025-08-07. Review status: criteria provided, single submitter. Criteria: Ambry Variant Classification Scheme 2023. Collection method: clinical testing. Allele origin: germline.

Labcorp Genetics (formerly Invitae), Labcorp
Classification: Uncertain significance for Glutamate formiminotransferase deficiency. Last evaluated: 2025-06-08. Review status: criteria provided, single submitter. Criteria: Invitae Variant Classification Sherloc (09022015). Collection method: clinical testing. Allele origin: germline.
Comment: This sequence change replaces arginine, which is basic and polar, with tryptophan, which is neutral and slightly polar, at codon 477 of the FTCD protein (p.Arg477Trp). The frequency data for this variant in the population databases is considered unreliable, as metrics indicate poor data quality at this position in the gnomAD database. This variant has not been reported in the literature in individuals affected with FTCD-related conditions. ClinVar contains an entry for this variant (Variation ID: 1005867). Invitae Evidence Modeling of protein sequence and biophysical properties (such as structural, functional, and spatial information, amino acid conservation, physicochemical variation, residue mobility, and thermodynamic stability) indicates that this missense variant is not expected to disrupt FTCD protein function with a negative predictive value of 80%. In summary, the available evidence is currently insufficient to determine the role of this variant in disease. Therefore, it has been classified as a Variant of Uncertain Significance.